The following is an entry in ClinVar:

ClinVar aggregate classification (germline): Uncertain significance. Review status: criteria provided, multiple submitters, no conflicts (2 of 4 stars). 2 submissions from 2 submitters: Uncertain significance (2). Last evaluated 2024-06-23.

Allele frequency attached by ClinVar (database versions not stated): ExAC 0.00002; gnomAD exomes 0.00005 and 0.00012; TOPMed 0.00012; gnomAD 0.00013.
gnomAD v4.1: 103 of 1,614,134 alleles (0.0064%); highest among the groups gnomAD compares: African/African-American, 0.004%; no homozygotes.

Submissions (2):

Labcorp Genetics (formerly Invitae), Labcorp
Classification: Uncertain significance. Last evaluated: 2024-06-23. Review status: criteria provided, single submitter. Criteria: Invitae Variant Classification Sherloc (09022015). Collection method: clinical testing. Allele origin: germline.
Comment: This sequence change replaces methionine, which is neutral and non-polar, with isoleucine, which is neutral and non-polar, at codon 247 of the CLCC1 protein (p.Met247Ile). This variant is present in population databases (rs201835218, gnomAD 0.2%). This variant has not been reported in the literature in individuals affected with CLCC1-related conditions. ClinVar contains an entry for this variant (Variation ID: 837514). An algorithm developed to predict the effect of missense changes on protein structure and function (PolyPhen-2) suggests that this variant¬†is likely to be tolerated. Algorithms developed to predict the effect of sequence changes on RNA splicing suggest that this variant may disrupt the consensus splice site. In summary, the available evidence is currently insufficient to determine the role of this variant in disease. Therefore, it has been classified as a Variant of Uncertain Significance.

Ambry Genetics
Classification: Uncertain significance. Last evaluated: 2023-08-05. Review status: criteria provided, single submitter. Criteria: Ambry Variant Classification Scheme 2023. Collection method: clinical testing. Allele origin: germline.

NM_001377458.1(CLCC1):c.741G>A (p.Met247Ile)

Gene: CLCC1 (chloride channel CLIC like 1; minus strand). Cytogenetic location: 1p13.3.
Variant type: single nucleotide variant.
Coding change: c.741G>A on transcript NM_001377458.1 (MANE Select); coding-DNA position 741, G replaced by A.
Protein change: p.Met247Ile; replaces methionine 247 with isoleucine.
Molecular consequence: missense variant. On other transcripts: non-coding transcript variant (1), intron variant (1).
Genome position (GRCh38, 1-based): chr1:108,941,460, C>T on the plus strand (G>A on the coding strand, the complement: CLCC1 is on the minus strand). VCF-style: chr1-108941460-C-T. GRCh37 (hg19) VCF-style: chr1-109484082-C-T.
Other names: c.741G>A, p.Met247Ile (NM_001048210.3, NM_001377459.1, NM_001377460.1 and 8 more transcripts); c.378G>A, p.Met126Ile (NM_001278202.2); c.639G>A, p.Met213Ile (NM_001377469.1); c.450G>A, p.Met150Ile (NM_001377470.1); c.591G>A, p.Met197Ile (NM_015127.5); c.340-1678G>A (NM_001278203.1); c.741G>A (NM_001048210.1); short protein forms M126I, M150I, M213I, M197I, M247I.
Identifiers: ClinVar variation 837514 (VCV000837514.7), dbSNP rs201835218, ClinGen allele CA983521.